The following is an entry in ClinVar:

ClinVar aggregate classification (germline): Likely pathogenic (1 of 4 stars; one submission).

Conditions:
Pyruvate dehydrogenase phosphatase deficiency (PDHPD). Also called: LACTIC ACIDEMIA WITH PYRUVATE DEHYDROGENASE PHOSPHATASE DEFICIENCY. Identifiers: Orphanet 79246, MedGen C1837429, MONDO:0012120, OMIM 608782.

Submission:

Natera, Inc.
Classification: Likely pathogenic for Pyruvate dehydrogenase phosphatase deficiency. Last evaluated: 2025-11-19. Review status: criteria provided, single submitter. Criteria: Natera Variant Classification Schema (03/2026). Collection method: clinical testing. Allele origin: germline.
Comment: The c.518dup variant in PDHB is a frameshift variant predicted to shift the reading frame beginning at codon 174 and leads to a stop codon 11 codons downstream. This variant is expected to result in nonsense mediated decay, truncation, or a dysfunctional protein product. This variant is rare in the general population with a frequency below the threshold expected for the associated phenotype(s). Given the available evidence, this variant is classified as Likely Pathogenic.

NM_000925.4(PDHB):c.518dup (p.Val174fs)

Gene: PDHB (pyruvate dehydrogenase E1 subunit beta; minus strand). Cytogenetic location: 3p14.3.
Variant type: Duplication.
Coding change: c.518dup on transcript NM_000925.4 (MANE Select); coding-DNA position 518, one base duplicated (A; older notation c.518dupA).
Protein change: p.Val174fs; shifts the reading frame from valine 174.
Molecular consequence: frameshift variant. On other transcripts: non-coding transcript variant (1).
Genome position (GRCh38, 1-based): chr3:58,430,728, T duplicated on the plus strand (A on the coding strand, the reverse complement: PDHB is on the minus strand); the first of 3 consecutive T bases (chr3:58,430,728-58,430,730); duplicating any one gives the same sequence. VCF-style (leftmost placement, unchanged base first): chr3-58430727-C-CT. GRCh37 (hg19) VCF-style: chr3-58416454-C-CT.
Other names: c.464dup, p.Val156fs (NM_001173468.2, NM_001315536.2); short protein forms V156fs, V174fs.
Identifiers: ClinVar variation 4814482 (VCV004814482.1).
Genomic context (GRCh38, chr3:58,430,727, plus strand): 5'-ATCCCGAATGGCTGATTTAATAAGTCCTTTAGCATCCTCTGAATTCCAGGGACTGACCAC[C>CT]TTTAAGCCTGGGCAGTGCCCATACCAGGCAGCAAAGCACTGTGAGTGCTGGGCAGCTACA-3'